The following is an entry in ClinVar:

NM_024757.5(EHMT1):c.1256A>G (p.Glu419Gly)

Gene: EHMT1 (euchromatic histone lysine methyltransferase 1; plus strand). Cytogenetic location: 9q34.3.
Variant type: single nucleotide variant.
Coding change: c.1256A>G on transcript NM_024757.5 (MANE Select); coding-DNA position 1256, A replaced by G.
Protein change: p.Glu419Gly; replaces glutamic acid 419 with glycine.
Molecular consequence: missense variant.
Genome position (GRCh38, 1-based): chr9:137,754,178, A>G. VCF-style: chr9-137754178-A-G. GRCh37 (hg19) VCF-style: chr9-140648630-A-G.
Other names: c.1256A>G, p.Glu419Gly (NM_001145527.2, NM_001354611.2); c.1163A>G, p.Glu388Gly (NM_001354259.2, NM_001354612.2); c.1235A>G, p.Glu412Gly (NM_001354263.2); short protein forms E388G, E412G, E419G.
Identifiers: ClinVar variation 1055653 (VCV001055653.9), dbSNP rs2136218441, ClinGen allele CA375762697.

ClinVar aggregate classification (germline): Uncertain significance (1 of 4 stars; one submission).

Conditions:
Kleefstra syndrome 1 (KLEFS1). Identifiers: Orphanet 261494, MedGen C0795833, MONDO:0027407, OMIM 610253.

Submission:

Labcorp Genetics (formerly Invitae), Labcorp
Classification: Uncertain significance for Kleefstra syndrome 1. Last evaluated: 2020-08-11. Review status: criteria provided, single submitter. Criteria: Invitae Variant Classification Sherloc (09022015). Collection method: clinical testing. Allele origin: germline.
Comment: This variant is not present in population databases (ExAC no frequency). In summary, the available evidence is currently insufficient to determine the role of this variant in disease. Therefore, it has been classified as a Variant of Uncertain Significance. Algorithms developed to predict the effect of missense changes on protein structure and function (SIFT, PolyPhen-2, Align-GVGD) all suggest that this variant is likely to be disruptive, but these predictions have not been confirmed by published functional studies and their clinical significance is uncertain. This variant has not been reported in the literature in individuals with EHMT1-related conditions. This sequence change replaces glutamic acid with glycine at codon 419 of the EHMT1 protein (p.Glu419Gly). The glutamic acid residue is highly conserved and there is a moderate physicochemical difference between glutamic acid and glycine.